The following is an entry in ClinVar:

NM_005687.5(FARSB):c.614A>G (p.Asn205Ser)

Gene: FARSB (phenylalanyl-tRNA synthetase subunit beta; minus strand). Cytogenetic location: 2q36.1.
Variant type: single nucleotide variant.
Coding change: c.614A>G on transcript NM_005687.5 (MANE Select); coding-DNA position 614, A replaced by G.
Protein change: p.Asn205Ser; replaces asparagine 205 with serine.
Molecular consequence: missense variant. On other transcripts: non-coding transcript variant (1).
Genome position (GRCh38, 1-based): chr2:222,633,300, T>C on the plus strand (A>G on the coding strand, the complement: FARSB is on the minus strand). VCF-style: chr2-222633300-T-C. GRCh37 (hg19) VCF-style: chr2-223498019-T-C.
Other names: c.614A>G (NM_005687.3); short protein forms N205S.
Identifiers: ClinVar variation 2184397 (VCV002184397.3), dbSNP rs555957732, ClinGen allele CA2136599.

ClinVar aggregate classification (germline): Uncertain significance. Review status: criteria provided, multiple submitters, no conflicts (2 of 4 stars). 2 submissions from 2 submitters: Uncertain significance (2). Last evaluated 2025-06-07.

Conditions:
Inborn genetic diseases. Identifiers: MedGen C0950123, MeSH D030342.

Allele frequency attached by ClinVar (database versions not stated): gnomAD exomes 0.00002; 1000 Genomes Project 30x 0.00016; 1000 Genomes Project 0.00020; ExAC 0.00002; TOPMed 0.00010; gnomAD 0.00013.
gnomAD v4.1: 49 of 1,492,706 alleles (0.0033%); highest among the groups gnomAD compares: African/African-American, 0.046%; no homozygotes.

Submissions (2):

Ambry Genetics
Classification: Uncertain significance for Inborn genetic diseases. Last evaluated: 2025-06-07. Review status: criteria provided, single submitter. Criteria: Ambry Variant Classification Scheme 2023. Collection method: clinical testing. Allele origin: germline.

Labcorp Genetics (formerly Invitae), Labcorp
Classification: Uncertain significance. Last evaluated: 2023-08-24. Review status: criteria provided, single submitter. Criteria: Invitae Variant Classification Sherloc (09022015). Collection method: clinical testing. Allele origin: germline.
Comment: This sequence change replaces asparagine, which is neutral and polar, with serine, which is neutral and polar, at codon 205 of the FARSB protein (p.Asn205Ser). This variant is present in population databases (rs555957732, gnomAD 0.03%). This variant has not been reported in the literature in individuals affected with FARSB-related conditions. ClinVar contains an entry for this variant (Variation ID: 2184397). An algorithm developed to predict the effect of missense changes on protein structure and function (PolyPhen-2) suggests that this variant¬†is likely to be tolerated. In summary, the available evidence is currently insufficient to determine the role of this variant in disease. Therefore, it has been classified as a Variant of Uncertain Significance.